The following is an entry in ClinVar:

NM_001330078.2(NRXN1):c.3365-109836G>T

Gene: NRXN1 (neurexin 1; minus strand). Cytogenetic location: 2p16.3.
Variant type: single nucleotide variant.
Coding change: c.3365-109836G>T on transcript NM_001330078.2 (MANE Select); 109836 bases into the intron before coding-DNA position 3365, G replaced by T.
Molecular consequence: intron variant. On other transcripts: synonymous variant (4).
Genome position (GRCh38, 1-based): chr2:50,346,806, C>A on the plus strand (G>T on the coding strand, the complement: NRXN1 is on the minus strand). VCF-style: chr2-50346806-C-A. GRCh37 (hg19) VCF-style: chr2-50573944-C-A.
Other names: c.144G>T, p.Ala48= (NM_001330091.2, NM_001330092.2, NM_001330097.2 and 1 more transcripts); c.3254-109836G>T (NM_001330096.2, NM_001330087.2); c.3299-109836G>T (NM_001330083.2, NM_001330084.2); c.3284-109836G>T (NM_001330088.2); c.3362-109836G>T (NM_001330093.2); c.3353-109836G>T (NM_001330094.2); c.3314-109836G>T (NM_001330095.2); c.3341-109836G>T (NM_001330082.2, NM_001330077.2); and 3 more.
Identifiers: ClinVar variation 388674 (VCV000388674.9), dbSNP rs747566761, ClinGen allele CA1654541.
Genomic context (GRCh38, chr2:50,346,806, plus strand): 5'-ATGCTTGCTGCTGCCATGGAAATGGTGGATGTGGTGCGCTCCCAAACTGGATGCCCCCCA[C>A]GCCACTCCTAGGAGGCCGCTGAGGGTGAGCGGGACTATCCAAAGCAGGGCCAGGCGCCCC-3'

ClinVar aggregate classification (germline): Likely benign. Review status: criteria provided, multiple submitters, no conflicts (2 of 4 stars). 3 submissions from 3 submitters: Likely benign (3). Last evaluated 2026-01-01.

Conditions:
Inborn genetic diseases. Identifiers: MedGen C0950123, MeSH D030342.

Allele frequency attached by ClinVar (database versions not stated): ExAC 0.00003; gnomAD exomes 0.00004; TOPMed 0.00005; gnomAD 0.00007 and 0.00008.
gnomAD v4.1: 22 of 1,613,150 alleles (0.0014%); highest among the groups gnomAD compares: Admixed American, 0.033%; no homozygotes.

Submissions (3):

CeGaT Center for Human Genetics Tuebingen
Classification: Likely benign. Last evaluated: 2026-01-01. Review status: criteria provided, single submitter. Criteria: CeGaT Center For Human Genetics Tuebingen Variant Classification Criteria Version 2. Collection method: clinical testing. Allele origin: germline. Affected: yes. Observed: 1 variant allele.
Comment: NRXN1: BP4, BP7

Ambry Genetics
Classification: Likely benign for Inborn genetic diseases. Last evaluated: 2017-05-31. Review status: criteria provided, single submitter. Criteria: Ambry Variant Classification Scheme 2023. Collection method: clinical testing. Allele origin: germline.

GeneDx
Classification: Likely benign. Last evaluated: 2016-08-17. Review status: criteria provided, single submitter. Criteria: GeneDx Variant Classification (06012015). Collection method: clinical testing. Allele origin: germline. Affected: yes.
Comment: This variant is considered likely benign or benign based on one or more of the following criteria: it is a conservative change, it occurs at a poorly conserved position in the protein, it is predicted to be benign by multiple in silico algorithms, and/or has population frequency not consistent with disease.